The following is an entry in ClinVar:

ClinVar aggregate classification (germline): Uncertain significance (1 of 4 stars; one submission).

Conditions:
Primary dilated cardiomyopathy (DCM). Also called: Dilated Cardiomyopathy. Identifiers: Orphanet 217604, MedGen C0007193, MeSH D002311, MONDO:0005021, HP:0001644. Inheritance: Various modes of inheritance.

Allele frequency attached by ClinVar (database versions not stated): TOPMed below 0.00001; gnomAD 0.00001; gnomAD exomes 0.00001.
gnomAD v4.1: 9 of 1,603,718 alleles (0.00056%); highest among the groups gnomAD compares: Non-Finnish European, 0.000085%; no homozygotes.

Submission:

Labcorp Genetics (formerly Invitae), Labcorp
Classification: Uncertain significance for Primary dilated cardiomyopathy. Last evaluated: 2026-02-03. Review status: criteria provided, single submitter. Criteria: Invitae Variant Classification Sherloc (09022015). Collection method: clinical testing. Allele origin: germline.
Comment: This sequence change replaces proline, which is neutral and non-polar, with leucine, which is neutral and non-polar, at codon 248 of the NEBL protein (p.Pro248Leu). This variant is not present in population databases (gnomAD no frequency). This variant has not been reported in the literature in individuals affected with NEBL-related conditions. ClinVar contains an entry for this variant (Variation ID: 1385616). An algorithm developed to predict the effect of missense changes on protein structure and function (PolyPhen-2) suggests that this variant is likely to be disruptive. In summary, the available evidence is currently insufficient to determine the role of this variant in disease. Therefore, it has been classified as a Variant of Uncertain Significance.

NM_006393.3(NEBL):c.743C>T (p.Pro248Leu)

Gene: NEBL (nebulette; minus strand). Cytogenetic location: 10p12.31.
Variant type: single nucleotide variant.
Coding change: c.743C>T on transcript NM_006393.3 (MANE Select); coding-DNA position 743, C replaced by T.
Protein change: p.Pro248Leu; replaces proline 248 with leucine.
Molecular consequence: missense variant. On other transcripts: intron variant (9).
Genome position (GRCh38, 1-based): chr10:20,859,768, G>A on the plus strand (C>T on the coding strand, the complement: NEBL is on the minus strand). VCF-style: chr10-20859768-G-A. GRCh37 (hg19) VCF-style: chr10-21148697-G-A.
Other names: c.250-46828C>T (NM_001377326.1, NM_001377327.1, NM_001377328.1); c.358-46828C>T (NM_213569.2, NM_001173484.2, NM_001377322.1); c.301-46828C>T (NM_001377324.1); c.292-46828C>T (NM_001377325.1); c.310-46828C>T (NM_001377323.1); short protein forms P248L.
Identifiers: ClinVar variation 1385616 (VCV001385616.8), dbSNP rs1409547551, ClinGen allele CA376102348.
Genomic context (GRCh38, chr10:20,859,768, plus strand): 5'-CTTACATTGCTCGCCAGTGTAGCAGCAAGCTGATTCTGCCTAAAAGAAGCACTTTCAAGA[G>A]GATTGTAATGATGTTTCTTATCCTTCATTTCATTATCAAATTTTTCTTTGTATTTAATCT-3'
Protein context (NP_006384.1, residues 238-258): EMKDKKHHYN[Pro248Leu]LESASFRQNQ